The following is an entry in ClinVar:

ClinVar aggregate classification (germline): Likely pathogenic. Review status: criteria provided, multiple submitters, no conflicts (2 of 4 stars). 3 submissions from 3 submitters: Likely pathogenic (3). Last evaluated 2026-05-21.

Conditions:
Hereditary cancer-predisposing syndrome. Also called: Neoplastic Syndromes, Hereditary; Hereditary Cancer Syndrome; Tumor predisposition; Hereditary neoplastic syndrome. Identifiers: Orphanet 140162, MedGen C0027672, MeSH D009386, MONDO:0015356.
Familial cancer of breast. Also called: hereditary breast carcinoma; BREAST CANCER, FAMILIAL; Hereditary breast cancer. Identifiers: Orphanet 227535, MedGen C0346153, MONDO:0016419, OMIM 114480. Disease mechanism: loss of function.

Submissions (3):

Ambry Genetics
Classification: Likely pathogenic for Hereditary cancer-predisposing syndrome. Last evaluated: 2026-05-21. Review status: criteria provided, single submitter. Criteria: Ambry Variant Classification Scheme 2023. Collection method: clinical testing. Allele origin: germline.
Comment: The c.2835-2A>C intronic variant results from an A to C substitution two nucleotides upstream from coding exon 9 in the PALB2 gene. This nucleotide position is highly conserved in available vertebrate species. In silico splice site analysis predicts that this alteration will weaken the native splice acceptor site and may result in the creation or strengthening of a novel splice acceptor site; however, direct evidence is insufficient at this time (Ambry internal data). Variants that disrupt the canonical splice site are expected to cause aberrant splicing, resulting in an abnormal protein or a transcript that is subject to nonsense-mediated mRNA decay. As such, this variant is classified as likely pathogenic.

Myriad Genetics, Inc.
Classification: Likely pathogenic for Familial cancer of breast. Last evaluated: 2023-09-13. Review status: criteria provided, single submitter. Criteria: Myriad Autosomal Dominant, Autosomal Recessive and X-Linked Classification Criteria (2023). Collection method: clinical testing. Allele origin: unknown.
Comment: This variant is considered likely pathogenic. This variant occurs within a consensus splice junction and is predicted to result in abnormal mRNA splicing of either an out-of-frame exon or an in-frame exon necessary for protein stability and/or normal function.

GeneDx
Classification: Likely pathogenic. Last evaluated: 2018-05-16. Review status: criteria provided, single submitter. Criteria: GeneDx Variant Classification (06012015). Collection method: clinical testing. Allele origin: germline. Affected: yes.
Comment: This variant is denoted PALB2 c.2835-2A>C or IVS8-2A>C and consists of a A>C nucleotidesubstitution at the -2 position of intron 8 of the PALB2 gene. This variant destroys a canonical splice acceptor site andis predicted to cause abnormal gene splicing, leading to either an abnormal message that is subject to nonsense-mediated mRNA decay or to an abnormal protein product. This variant has not, to our knowledge, been published inthe literature. Based on the currently available information, we consider PALB2 c.2835-2A>C to be a likely pathogenicvariant.

NM_024675.4(PALB2):c.2835-2A>C

Gene: PALB2 (partner and localizer of BRCA2; minus strand). Cytogenetic location: 16p12.2.
Variant type: single nucleotide variant.
Coding change: c.2835-2A>C on transcript NM_024675.4 (MANE Select); the canonical splice acceptor site of the intron before coding-DNA position 2835, A replaced by C.
Molecular consequence: splice acceptor variant. On other transcripts: intron variant (1).
Genome position (GRCh38, 1-based): chr16:23,623,132, T>G on the plus strand (A>C on the coding strand, the complement: PALB2 is on the minus strand). VCF-style: chr16-23623132-T-G. GRCh37 (hg19) VCF-style: chr16-23634453-T-G.
Other names: c.1950-2A>C (NM_001407308.1, NM_001407306.1, NM_001407309.1 and 4 more transcripts); c.369-2A>C (NM_001407314.1); c.1047-2A>C (NM_001407313.1, NM_001407312.1); c.2775-2A>C (NM_001407296.1); c.2763-2A>C (NM_001407297.1); c.2673-2A>C (NM_001407302.1, NM_001407298.1); c.2834+877A>C (NM_001407300.1); c.2835-2A>C (NM_001407299.1, NM_001407301.1); and 1 more.
Identifiers: ClinVar variation 265544 (VCV000265544.4), dbSNP rs886039613, ClinGen allele CA10588606.